The following is an entry in ClinVar:

NM_170601.5(SIAE):c.857C>A (p.Thr286Lys)

Gene: SIAE (sialic acid acetylesterase; minus strand). Cytogenetic location: 11q24.2.
Variant type: single nucleotide variant.
Coding change: c.857C>A on transcript NM_170601.5 (MANE Select); coding-DNA position 857, C replaced by A.
Protein change: p.Thr286Lys; replaces threonine 286 with lysine.
Molecular consequence: missense variant.
Genome position (GRCh38, 1-based): chr11:124,647,474, G>T on the plus strand (C>A on the coding strand, the complement: SIAE is on the minus strand). VCF-style: chr11-124647474-G-T. GRCh37 (hg19) VCF-style: chr11-124517370-G-T.
Other names: c.752C>A, p.Thr251Lys (NM_001199922.2); short protein forms T286K, T251K.
Identifiers: ClinVar variation 2876513 (VCV002876513.3), dbSNP rs147977671, ClinGen allele CA6341386.

ClinVar aggregate classification (germline): Uncertain significance (1 of 4 stars; one submission).

Submission:

Labcorp Genetics (formerly Invitae), Labcorp
Classification: Uncertain significance. Last evaluated: 2024-12-10. Review status: criteria provided, single submitter. Criteria: Invitae Variant Classification Sherloc (09022015). Collection method: clinical testing. Allele origin: germline.
Comment: This sequence change replaces threonine, which is neutral and polar, with lysine, which is basic and polar, at codon 286 of the SIAE protein (p.Thr286Lys). This variant is present in population databases (rs147977671, gnomAD 0.01%). This variant has not been reported in the literature in individuals affected with SIAE-related conditions. ClinVar contains an entry for this variant (Variation ID: 2876513). An algorithm developed to predict the effect of missense changes on protein structure and function outputs the following: PolyPhen-2: "Benign". The lysine amino acid residue is found in multiple mammalian species, which suggests that this missense change does not adversely affect protein function. In summary, the available evidence is currently insufficient to determine the role of this variant in disease. Therefore, it has been classified as a Variant of Uncertain Significance.